The following is an entry in ClinVar:

ClinVar aggregate classification (germline): Uncertain significance (1 of 4 stars; one submission).

gnomAD v4.1: 8 of 1,604,098 alleles (0.0005%); highest among the groups gnomAD compares: Non-Finnish European, 0.00068%; no homozygotes.

Submission:

Labcorp Genetics (formerly Invitae), Labcorp
Classification: Uncertain significance. Last evaluated: 2021-02-24. Review status: criteria provided, single submitter. Criteria: Invitae Variant Classification Sherloc (09022015). Collection method: clinical testing. Allele origin: germline.
Comment: This sequence change replaces tyrosine with serine at codon 499 of the SI protein (p.Tyr499Ser). The tyrosine residue is moderately conserved and there is a large physicochemical difference between tyrosine and serine. This variant is not present in population databases (ExAC no frequency). This variant has not been reported in the literature in individuals with SI-related conditions. Advanced modeling of protein sequence and biophysical properties (such as structural, functional, and spatial information, amino acid conservation, physicochemical variation, residue mobility, and thermodynamic stability) performed at Invitae indicates that this missense variant is expected to disrupt SI protein function. In summary, the available evidence is currently insufficient to determine the role of this variant in disease. Therefore, it has been classified as a Variant of Uncertain Significance.

NM_001041.4(SI):c.1496A>C (p.Tyr499Ser)

Gene: SI (sucrase-isomaltase; minus strand). Cytogenetic location: 3q26.1.
Variant type: single nucleotide variant.
Coding change: c.1496A>C on transcript NM_001041.4 (MANE Select); coding-DNA position 1496, A replaced by C.
Protein change: p.Tyr499Ser; replaces tyrosine 499 with serine.
Molecular consequence: missense variant.
Genome position (GRCh38, 1-based): chr3:165,055,210, T>G on the plus strand (A>C on the coding strand, the complement: SI is on the minus strand). VCF-style: chr3-165055210-T-G. GRCh37 (hg19) VCF-style: chr3-164772998-T-G.
Other names: short protein forms Y499S.
Identifiers: ClinVar variation 1513221 (VCV001513221.8), dbSNP rs2108242167, ClinGen allele CA355027736.
Genomic context (GRCh38, chr3:165,055,210, plus strand): 5'-CTATGGTCATTGACCAAAACCATTGGTTTAAAATAGCTACTTACAATCCAAAGTCCATCA[T>G]ATTGCACTTCTTGATGGAAAATACTGCATTCATTTGCCCACCAATCAATGCAGTTTGGGT-3'
Protein context (NP_001032.2, residues 489-509): ECSIFHQEVQ[Tyr499Ser]DGLWIDMNEV